The following is an entry in ClinVar:

ClinVar aggregate classification (germline): Uncertain significance (1 of 4 stars; one submission).

Submission:

Labcorp Genetics (formerly Invitae), Labcorp
Classification: Uncertain significance. Last evaluated: 2022-06-10. Review status: criteria provided, single submitter. Criteria: Invitae Variant Classification Sherloc (09022015). Collection method: clinical testing. Allele origin: germline.
Comment: This variant, c.204_215del, results in the deletion of 4 amino acid(s) of the BLOC1S3 protein (p.Glu70_Pro73del), but otherwise preserves the integrity of the reading frame. This variant is present in population databases (no rsID available, gnomAD 0.03%). This variant has not been reported in the literature in individuals affected with BLOC1S3-related conditions. Experimental studies and prediction algorithms are not available or were not evaluated, and the functional significance of this variant is currently unknown. In summary, the available evidence is currently insufficient to determine the role of this variant in disease. Therefore, it has been classified as a Variant of Uncertain Significance.

NM_212550.5(BLOC1S3):c.198GCCGGA[1] (p.66EP[2])

Gene: BLOC1S3 (biogenesis of lysosomal organelles complex 1 subunit 3; plus strand). Cytogenetic location: 19q13.32.
Variant type: Microsatellite.
Coding change: c.198GCCGGA[1] on transcript NM_212550.5 (MANE Select); one copy of the 6-base unit GCCGGA starting at c.198; the reference has three copies in a row; two copies, 12 bases deleted.
Protein change: p.66EP[2].
Molecular consequence: inframe deletion.
Genome position (GRCh38, 1-based): chr19:45,179,500-45,179,511, GCCGGAGCCGGA deleted; deleting any 12 consecutive bases within chr19:45,179,490-45,179,511 gives the same sequence; the position shown is the placement nearest the transcript's 3' end. VCF-style (leftmost placement, unchanged base first): chr19-45179489-TCGGAGCCGGAGC-T. GRCh37 (hg19) VCF-style: chr19-45682747-TCGGAGCCGGAGC-T.
Identifiers: ClinVar variation 2174576 (VCV002174576.1), dbSNP rs552143332, ClinGen allele CA633479455.